The following is an entry in ClinVar:

NM_001353345.2(SETD1B):c.4556C>G (p.Pro1519Arg)

Gene: SETD1B (SET domain containing 1B, histone lysine methyltransferase; plus strand). Cytogenetic location: 12q24.31.
Variant type: single nucleotide variant.
Coding change: c.4556C>G on transcript NM_001353345.2 (MANE Select); coding-DNA position 4556, C replaced by G.
Protein change: p.Pro1519Arg; replaces proline 1519 with arginine.
Molecular consequence: missense variant.
Genome position (GRCh38, 1-based): chr12:121,823,135, C>G. VCF-style: chr12-121823135-C-G. GRCh37 (hg19) VCF-style: chr12-122261041-C-G.
Other names: short protein forms P1519R.
Identifiers: ClinVar variation 2579767 (VCV002579767.1), dbSNP rs1206117924, ClinGen allele CA386999248.
Genomic context (GRCh38, chr12:121,823,135, plus strand): 5'-CGCTGCCACCCCTGCTGCCCGCCCCCCTGGCCTCTTGCCCTCCCCCAATGAAGAGGAAGC[C>G]GGGCCGGCCCCGGCGATCCCCACCATCTATGCTCTCCTTGGATGGGCCCTTGGTCCGACC-3'
Protein context (NP_001340274.1, residues 1509-1529): ASCPPPMKRK[Pro1519Arg]GRPRRSPPSM

ClinVar aggregate classification (germline): Uncertain significance (1 of 4 stars; one submission).

Submission:

GeneDx
Classification: Uncertain significance. Last evaluated: 2023-03-14. Review status: criteria provided, single submitter. Criteria: GeneDx Variant Classification Process June 2021. Collection method: clinical testing. Allele origin: germline. Affected: yes.
Comment: Not observed at significant frequency in large population cohorts (gnomAD); In silico analysis supports that this missense variant has a deleterious effect on protein structure/function; Has not been previously published as pathogenic or benign to our knowledge